The following is an entry in ClinVar:

ClinVar aggregate classification (germline): Likely benign (0 of 4 stars; one submission).

Conditions:
PLXNA1-related disorder. Also called: PLXNA1-related condition.

Submission:

PreventionGenetics, part of Exact Sciences
Classification: Likely benign for PLXNA1-related condition. Last evaluated: 2023-06-26. Review status: no assertion criteria provided. Collection method: clinical testing. Allele origin: germline.
Comment: This variant is classified as likely benign based on ACMG/AMP sequence variant interpretation guidelines (Richards et al. 2015 PMID: 25741868, with internal and published modifications).

NM_032242.4(PLXNA1):c.300C>T (p.Ser100=)

Gene: PLXNA1 (plexin A1; plus strand). Cytogenetic location: 3q21.3.
Variant type: single nucleotide variant.
Coding change: c.300C>T on transcript NM_032242.4 (MANE Select); coding-DNA position 300, C replaced by T.
Protein change: p.Ser100=; no amino-acid change (serine 100 retained).
Molecular consequence: synonymous variant.
Genome position (GRCh38, 1-based): chr3:126,988,893, C>T. VCF-style: chr3-126988893-C-T. GRCh37 (hg19) VCF-style: chr3-126707736-C-T.
Identifiers: ClinVar variation 3356927 (VCV003356927.1).